The following is an entry in ClinVar:

ClinVar aggregate classification (germline): Uncertain significance (1 of 4 stars; one submission).

Conditions:
MGAT2-congenital disorder of glycosylation. Also called: Congenital disorder of glycosylation, type IIa; CDG IIa; MENTAL RETARDATION, GROWTH RETARDATION, PROMINENT COLUMELLA, AND OPEN MOUTH; Alkuraya syndrome; MGAT2-CDG. Identifiers: Orphanet 79329, MedGen C2931008, MONDO:0008908, OMIM 212066.

Allele frequency attached by ClinVar (database versions not stated): gnomAD below 0.00001 and 0.00007; gnomAD exomes 0.00007 and 0.00017; ExAC 0.00015; 1000 Genomes Project 30x 0.00125; 1000 Genomes Project 0.00140.
gnomAD v4.1: 113 of 1,612,418 alleles (0.007%); highest among the groups gnomAD compares: South Asian, 0.12%; no homozygotes.

Submission:

Labcorp Genetics (formerly Invitae), Labcorp
Classification: Uncertain significance for MGAT2-congenital disorder of glycosylation. Last evaluated: 2022-01-14. Review status: criteria provided, single submitter. Criteria: Invitae Variant Classification Sherloc (09022015). Collection method: clinical testing. Allele origin: germline.
Comment: This variant is present in population databases (rs527933593, gnomAD 0.1%). This sequence change replaces alanine, which is neutral and non-polar, with serine, which is neutral and polar, at codon 84 of the MGAT2 protein (p.Ala84Ser). This variant has not been reported in the literature in individuals affected with MGAT2-related conditions. In summary, the available evidence is currently insufficient to determine the role of this variant in disease. Therefore, it has been classified as a Variant of Uncertain Significance. Algorithms developed to predict the effect of missense changes on protein structure and function (SIFT, PolyPhen-2, Align-GVGD) all suggest that this variant is likely to be tolerated. ClinVar contains an entry for this variant (Variation ID: 653562).

NM_002408.4(MGAT2):c.250G>T (p.Ala84Ser)

Gene: MGAT2 (alpha-1,6-mannosyl-glycoprotein 2-beta-N-acetylglucosaminyltransferase; plus strand). Cytogenetic location: 14q21.3.
Variant type: single nucleotide variant.
Coding change: c.250G>T on transcript NM_002408.4 (MANE Select); coding-DNA position 250, G replaced by T.
Protein change: p.Ala84Ser; replaces alanine 84 with serine.
Molecular consequence: missense variant.
Genome position (GRCh38, 1-based): chr14:49,621,518, G>T. VCF-style: chr14-49621518-G-T. GRCh37 (hg19) VCF-style: chr14-50088236-G-T.
Other names: short protein forms A84S.
Identifiers: ClinVar variation 653562 (VCV000653562.9), dbSNP rs527933593, ClinGen allele CA7172506.